The following is an entry in ClinVar:

NM_001009999.3(KDM1A):c.2410A>T (p.Ile804Phe)

Gene: KDM1A (lysine demethylase 1A; plus strand). Cytogenetic location: 1p36.12.
Variant type: single nucleotide variant.
Coding change: c.2410A>T on transcript NM_001009999.3 (MANE Select); coding-DNA position 2410, A replaced by T.
Protein change: p.Ile804Phe; replaces isoleucine 804 with phenylalanine.
Molecular consequence: missense variant.
Genome position (GRCh38, 1-based): chr1:23,082,331, A>T. VCF-style: chr1-23082331-A-T. GRCh37 (hg19) VCF-style: chr1-23408824-A-T.
Other names: c.2356A>T, p.Ile786Phe (NM_001363654.2); c.2416A>T, p.Ile806Phe (NM_001410762.1); c.2338A>T, p.Ile780Phe (NM_001410763.1, NM_015013.4); short protein forms I780F, I786F, I804F, I806F.
Identifiers: ClinVar variation 3766045 (VCV003766045.1).

ClinVar aggregate classification (germline): Uncertain significance (1 of 4 stars; one submission).

Submission:

GeneDx
Classification: Uncertain significance. Last evaluated: 2024-09-03. Review status: criteria provided, single submitter. Criteria: GeneDx Variant Classification Process June 2021. Collection method: clinical testing. Allele origin: germline. Affected: yes.
Comment: Not observed at significant frequency in large population cohorts (gnomAD); In silico analysis supports that this missense variant has a deleterious effect on protein structure/function; Has not been previously published as pathogenic or benign to our knowledge